The following is an entry in ClinVar:

ClinVar aggregate classification (germline): Uncertain significance (1 of 4 stars; one submission).

Conditions:
Primary ciliary dyskinesia. Also called: Ciliary dyskinesia. Identifiers: Orphanet 244, MedGen C0008780, MONDO:0016575, HP:0012265.

Submission:

Labcorp Genetics (formerly Invitae), Labcorp
Classification: Uncertain significance for Primary ciliary dyskinesia. Last evaluated: 2021-09-01. Review status: criteria provided, single submitter. Criteria: Invitae Variant Classification Sherloc (09022015). Collection method: clinical testing. Allele origin: germline.
Comment: This sequence change affects codon 258 of the DNAH5 mRNA. It is a 'silent' change, meaning that it does not change the encoded amino acid sequence of the DNAH5 protein. This variant is not present in population databases (ExAC no frequency). This variant has been observed in individual(s) with primary ciliary dyskinesia (Invitae). Algorithms developed to predict the effect of sequence changes on RNA splicing suggest that this variant may create or strengthen a splice site. In summary, the available evidence is currently insufficient to determine the role of this variant in disease. Therefore, it has been classified as a Variant of Uncertain Significance.

NM_001369.3(DNAH5):c.774A>G (p.Lys258=)

Gene: DNAH5 (dynein axonemal heavy chain 5; minus strand). Cytogenetic location: 5p15.2.
Variant type: single nucleotide variant.
Coding change: c.774A>G on transcript NM_001369.3 (MANE Select); coding-DNA position 774, A replaced by G.
Protein change: p.Lys258=; no amino-acid change (lysine 258 retained).
Molecular consequence: synonymous variant.
Genome position (GRCh38, 1-based): chr5:13,920,504, T>C on the plus strand (A>G on the coding strand, the complement: DNAH5 is on the minus strand). VCF-style: chr5-13920504-T-C. GRCh37 (hg19) VCF-style: chr5-13920613-T-C.
Identifiers: ClinVar variation 657323 (VCV000657323.6), dbSNP rs1580893288, ClinGen allele CA443276073.